The following is an entry in ClinVar:

NM_007294.4(BRCA1):c.5194-2501T>C

Gene: BRCA1 (BRCA1 DNA repair associated; minus strand). Cytogenetic location: 17q21.31.
Variant type: single nucleotide variant.
Coding change: c.5194-2501T>C on transcript NM_007294.4 (MANE Select); 2501 bases into the intron before coding-DNA position 5194, T replaced by C.
Molecular consequence: intron variant.
Genome position (GRCh38, 1-based): chr17:43,059,636, A>G on the plus strand (T>C on the coding strand, the complement: BRCA1 is on the minus strand). VCF-style: chr17-43059636-A-G. GRCh37 (hg19) VCF-style: chr17-41211653-A-G.
Other names: IVS 19-2501T>C; c.5047-2501T>C (NM_001407853.1, NM_001407843.1, NM_001407847.1 and 12 more transcripts); c.1618-2501T>C (NM_001408502.1, NM_001408504.1, NM_001408503.1); c.4858-2501T>C (NM_001407951.1, NM_001407954.1, NM_001407952.1 and 3 more transcripts); c.4861-2501T>C (NM_001407946.1, NM_001407948.1, NM_001407947.1 and 1 more transcripts); c.1672-2501T>C (NM_001408489.1, NM_001408482.1, NM_001408484.1 and 5 more transcripts); c.1675-2501T>C (NM_001408479.1, NM_001408478.1, NM_001408480.1); c.4981-2501T>C (NM_001407910.1, NM_001407904.1, NM_001407896.1 and 12 more transcripts); and 73 more.
Identifiers: ClinVar variation 209301 (VCV000209301.2), dbSNP rs8176273, ClinGen allele CA276273.
Genomic context (GRCh38, chr17:43,059,636, plus strand): 5'-CCATATTCCCTACCATGCCTTCTTCATCTAATTTAATATTACTAACAAGATCTATTGTTC[A>G]AGCCAAAACCCAAGTGTCACTCCTTCAATTTCTCTTTACCTTATCCTCCAAATTTAATCC-3'

ClinVar aggregate classification (germline): Benign (3 of 4 stars; one submission).

Conditions:
Breast-ovarian cancer, familial, susceptibility to, 1 (BROVCA1). Also called: BRCA1 Hereditary Breast and Ovarian Cancer; OVARIAN CANCER, SUSCEPTIBILITY TO. Identifiers: Orphanet 145, MedGen C2676676, MONDO:0011450, OMIM 604370. Disease mechanism: loss of function.

Allele frequency attached by ClinVar (database versions not stated): TOPMed 0.27277; gnomAD 0.28527 and 0.29370; 1000 Genomes Project 30x 0.31730; 1000 Genomes Project 0.32488.
gnomAD v4.1: 44,693 of 152,014 alleles (29%); highest among the groups gnomAD compares: South Asian, 49%; 7,175 homozygotes.

Submission:

Evidence-based Network for the Interpretation of Germline Mutant Alleles (ENIGMA)
Classification: Benign for Breast-ovarian cancer, familial 1. Last evaluated: 2015-01-12. Review status: reviewed by expert panel. Criteria: ENIGMA BRCA1/2 Classification Criteria (2015). Collection method: curation. Allele origin: germline.
Comment: Class 1 not pathogenic based on frequency >1% in an outbred sampleset. Frequency 0.3304 (Asian), 0.128 (African), 0.3575 (European), derived from 1000 genomes (2012-04-30).